The following is an entry in ClinVar:

ClinVar aggregate classification (germline): Likely pathogenic (1 of 4 stars; one submission).

Conditions:
Cardiovascular phenotype. Identifiers: MedGen CN230736.

Submission:

Ambry Genetics
Classification: Likely pathogenic for Cardiovascular phenotype. Last evaluated: 2023-02-07. Review status: criteria provided, single submitter. Criteria: Ambry Variant Classification Scheme 2023. Collection method: clinical testing. Allele origin: germline.
Comment: The c.14007delT variant, located in coding exon 52 of the TTN gene, results from a deletion of one nucleotide at nucleotide position 14007, causing a translational frameshift with a predicted alternate stop codon (p.F4669Lfs*42). This exon is located in the I-band region of the N2-B isoform of the titin protein and is constitutively expressed in TTN transcripts (percent spliced in or PSI 100%). This variant is considered to be rare based on population cohorts in the Genome Aggregation Database (gnomAD). This alteration is expected to result in loss of function by premature protein truncation or nonsense-mediated mRNA decay. While truncating variants in TTN are present in 1-3% of the general population, truncating variants in the A-band are the most common cause of dilated cardiomyopathy (DCM) (Herman DS et al. N. Engl. J. Med., 2012 Feb;366:619-28; Roberts AM et al. Sci Transl Med, 2015 Jan;7:270ra6). TTN truncating variants encoded in constitutive exons (PSI >90%) have been found to be significantly associated with DCM regardless of their position in titin (Schafer S et al. Nat. Genet., 2017 01;49:46-53). Based on the majority of available evidence to date, this variant is likely to be pathogenic.

NM_001267550.2(TTN):c.41202del (p.Phe13734fs)

Gene: TTN (titin; minus strand). Cytogenetic location: 2q31.2.
Variant type: Deletion.
Coding change: c.41202del on transcript NM_001267550.2 (MANE Select); coding-DNA position 41202, one base deleted (T; older notation c.41202delT).
Protein change: p.Phe13734fs; shifts the reading frame from phenylalanine 13734.
Molecular consequence: frameshift variant.
Genome position (GRCh38, 1-based): chr2:178,636,525, A deleted on the plus strand (T on the coding strand, the reverse complement: TTN is on the minus strand); the first of 3 consecutive A bases (chr2:178,636,525-178,636,527); deleting any one gives the same sequence. VCF-style (leftmost placement, unchanged base first): chr2-178636524-TA-T. GRCh37 (hg19) VCF-style: chr2-179501251-TA-T.
Other names: c.36279del, p.Phe12093fs (NM_001256850.1); c.14007del, p.Phe4669fs (NM_003319.4); c.33498del, p.Phe11166fs (NM_133378.4); c.14382del, p.Phe4794fs (NM_133432.3); c.14583del, p.Phe4861fs (NM_133437.4); c.14007delT (NM_003319.4); short protein forms F11166fs, F13734fs, F4794fs, F4861fs, F12093fs, F4669fs.
Identifiers: ClinVar variation 2451914 (VCV002451914.2), dbSNP rs2471632050, ClinGen allele CA2580065004.